The following is an entry in ClinVar:

NM_015295.3(SMCHD1):c.848A>G (p.Tyr283Cys)

Gene: SMCHD1 (structural maintenance of chromosomes flexible hinge domain containing 1; plus strand). Cytogenetic location: 18p11.32.
Variant type: single nucleotide variant.
Coding change: c.848A>G on transcript NM_015295.3 (MANE Select); coding-DNA position 848, A replaced by G.
Protein change: p.Tyr283Cys; replaces tyrosine 283 with cysteine.
Molecular consequence: missense variant.
Genome position (GRCh38, 1-based): chr18:2,688,722, A>G. VCF-style: chr18-2688722-A-G. GRCh37 (hg19) VCF-style: chr18-2688720-A-G.
Other names: short protein forms Y283C.
Identifiers: ClinVar variation 280776 (VCV000280776.2), dbSNP rs886041921, ClinGen allele CA10603488.
Genomic context (GRCh38, chr18:2,688,722, plus strand): 5'-ACGAGCTTGTGCTTTCTAAAGAAGATTTTGAGAAGAAGGAGAAAAATAAAGAGGCAATAT[A>G]TAGTGGATATATTAGAAACAGAAAGGTACAATACATTTTAACTCATAATTATAAATTTAC-3'
Protein context (NP_056110.2, residues 273-293): EKKEKNKEAI[Tyr283Cys]SGYIRNRKPS

ClinVar aggregate classification (germline): Pathogenic (1 of 4 stars; one submission).

Submission:

GeneDx
Classification: Pathogenic. Last evaluated: 2016-09-02. Review status: criteria provided, single submitter. Criteria: GeneDx Variant Classification (06012015). Collection method: clinical testing. Allele origin: germline. Affected: yes.
Comment: The Y283C variant in the SMCHD1 gene has been reported previously in one individual with facioscapulohumeral muscular dystrophy who was also noted to have D4Z4 hypomethylation (Hamanaka et al., 2016). This variant was not observed in approximately 5800 individuals of European and African American ancestry in the NHLBI Exome Sequencing Project, indicating it is not a common benign variant in these populations. The Y283C variant is a non-conservative amino acid substitution, which is likely to impact secondary protein structure as these residues differ in polarity, charge, size and/or other properties. This substitution occurs at a position that is conserved across species, and in silico analysis predicts this variant is probably damaging to the protein structure/function. We interpret Y283C as a pathogenic variant.